The following is an entry in ClinVar:

ClinVar aggregate classification (germline): Uncertain significance. Review status: criteria provided, multiple submitters, no conflicts (2 of 4 stars). 2 submissions from 2 submitters: Uncertain significance (2). Last evaluated 2026-01-19.

Conditions:
Inborn genetic diseases. Identifiers: MedGen C0950123, MeSH D030342.

Allele frequency attached by ClinVar (database versions not stated): TOPMed 0.00001; gnomAD exomes 0.00002; gnomAD 0.00004.
gnomAD v4.1: 39 of 1,613,958 alleles (0.0024%); highest among the groups gnomAD compares: Admixed American, 0.005%; 1 homozygote.

Submissions (2):

Labcorp Genetics (formerly Invitae), Labcorp
Classification: Uncertain significance. Last evaluated: 2026-01-19. Review status: criteria provided, single submitter. Criteria: Invitae Variant Classification Sherloc (09022015). Collection method: clinical testing. Allele origin: germline.
Comment: This sequence change replaces arginine, which is basic and polar, with cysteine, which is neutral and slightly polar, at codon 454 of the TRPV6 protein (p.Arg454Cys). This variant is present in population databases (no rsID available, gnomAD no frequency). This missense change has been observed in individual(s) with chronic pancreatitis (PMID: 32383311, 34923708). ClinVar contains an entry for this variant (Variation ID: 3183512). An algorithm developed to predict the effect of missense changes on protein structure and function outputs the following: PolyPhen-2: "Not Available". The cysteine amino acid residue is found in multiple mammalian species, which suggests that this missense change does not adversely affect protein function. Experimental studies have shown that this missense change does not substantially affect TRPV6 function (PMID: 34923708). In summary, the available evidence is currently insufficient to determine the role of this variant in disease. Therefore, it has been classified as a Variant of Uncertain Significance.

Ambry Genetics
Classification: Uncertain significance for Inborn genetic diseases. Last evaluated: 2023-12-07. Review status: criteria provided, single submitter. Criteria: Ambry Variant Classification Scheme 2023. Collection method: clinical testing. Allele origin: germline.

Literature cited by the submitters: PubMed 32383311 (cited by Labcorp Genetics (formerly Invitae), Labcorp); PubMed 34923708 (cited by Labcorp Genetics (formerly Invitae), Labcorp).

NM_018646.6(TRPV6):c.1360C>T (p.Arg454Cys)

Gene: TRPV6 (transient receptor potential cation channel subfamily V member 6; minus strand). Cytogenetic location: 7q34.
Variant type: single nucleotide variant.
Coding change: c.1360C>T on transcript NM_018646.6 (MANE Select); coding-DNA position 1360, C replaced by T.
Protein change: p.Arg454Cys; replaces arginine 454 with cysteine.
Molecular consequence: missense variant.
Genome position (GRCh38, 1-based): chr7:142,874,950, G>A on the plus strand (C>T on the coding strand, the complement: TRPV6 is on the minus strand). VCF-style: chr7-142874950-G-A. GRCh37 (hg19) VCF-style: chr7-142572703-G-A.
Other names: short protein forms R454C.
Identifiers: ClinVar variation 3183512 (VCV003183512.2), dbSNP rs933800853, ClinGen allele CA168190283.